The following is an entry in ClinVar:

ClinVar aggregate classification (germline): Uncertain significance. Review status: criteria provided, single submitter (1 of 4 stars). 2 submissions from 2 submitters: Uncertain significance (1). 1 of the submissions does not count toward it. Last evaluated 2022-03-04.

Conditions:
Cystic fibrosis (CF). Also called: MUCOVISCIDOSIS. Identifiers: Orphanet 586, MedGen C0010674, MONDO:0009061, OMIM 219700. Disease mechanism: loss of function.
CFTR-related disorder (CFTR-RD). Also called: CFTR-related disorders; CFTR-related condition. Identifiers: MedGen C5924204, MONDO:7770004.

gnomAD v4.1: 4 of 1,614,038 alleles (0.00025%); highest among the groups gnomAD compares: South Asian, 0.0033%; no homozygotes.

Submissions (2):

Labcorp Genetics (formerly Invitae), Labcorp
Classification: Uncertain significance for Cystic fibrosis. Last evaluated: 2022-03-04. Review status: criteria provided, single submitter. Criteria: Invitae Variant Classification Sherloc (09022015). Collection method: clinical testing. Allele origin: germline.
Comment: This sequence change replaces arginine, which is basic and polar, with glycine, which is neutral and non-polar, at codon 1453 of the CFTR protein (p.Arg1453Gly). This variant is not present in population databases (gnomAD no frequency). This variant has not been reported in the literature in individuals affected with CFTR-related conditions. ClinVar contains an entry for this variant (Variation ID: 1044113). Algorithms developed to predict the effect of missense changes on protein structure and function (SIFT, PolyPhen-2, Align-GVGD) all suggest that this variant is likely to be tolerated. In summary, the available evidence is currently insufficient to determine the role of this variant in disease. Therefore, it has been classified as a Variant of Uncertain Significance.

Natera, Inc.
Classification: Uncertain significance for CFTR-related disorders. Last evaluated: 2017-05-09. Review status: no assertion criteria provided. Collection method: clinical testing. Allele origin: germline. Not counted in ClinVar's aggregate classification.

NM_000492.4(CFTR):c.4357C>G (p.Arg1453Gly)

Genes: CFTR (CF transmembrane conductance regulator; plus strand), LOC111674477 (CFTR intron 23 enhancer; plus strand). Cytogenetic location: 7q31.2.
Variant type: single nucleotide variant.
Coding change: c.4357C>G on transcript NM_000492.4 (MANE Select); coding-DNA position 4357, C replaced by G.
Protein change: p.Arg1453Gly; replaces arginine 1453 with glycine.
Molecular consequence: missense variant.
Genome position (GRCh38, 1-based): chr7:117,667,022, C>G. VCF-style: chr7-117667022-C-G. GRCh37 (hg19) VCF-style: chr7-117307076-C-G.
Other names: short protein forms R1453G.
Identifiers: ClinVar variation 1044113 (VCV001044113.5), dbSNP rs4148725, ClinGen allele CA4451698.